The following is an entry in ClinVar:

ClinVar aggregate classification (germline): Likely benign. Review status: criteria provided, multiple submitters, no conflicts (2 of 4 stars). 4 submissions from 4 submitters: Likely benign (4). Last evaluated 2025-11-24.

Conditions:
Cardiovascular phenotype. Identifiers: MedGen CN230736.
Cardiomyopathy (CMYO). Also called: Cardiomyopathies. Identifiers: Orphanet 167848, MedGen C0878544, MONDO:0004994, HP:0001638. Inheritance: Various modes of inheritance.
Lethal congenital glycogen storage disease of heart. Also called: GLYCOGEN STORAGE DISEASE OF HEART; PHOSPHORYLASE KINASE DEFICIENCY OF HEART. Identifiers: Orphanet 439854, MedGen C1849813, MONDO:0009867, OMIM 261740.

Allele frequency attached by ClinVar (database versions not stated): gnomAD 0.00001; TOPMed 0.00001; gnomAD exomes 0.00002 and 0.00003; ExAC 0.00007.
gnomAD v4.1: 30 of 1,607,634 alleles (0.0019%); highest among the groups gnomAD compares: Admixed American, 0.0034%; no homozygotes.

Submissions (4):

Labcorp Genetics (formerly Invitae), Labcorp
Classification: Likely benign for Lethal congenital glycogen storage disease of heart. Last evaluated: 2025-11-24. Review status: criteria provided, single submitter. Criteria: Invitae Variant Classification Sherloc (09022015). Collection method: clinical testing. Allele origin: germline.

Color Diagnostics, LLC DBA Color Health
Classification: Likely benign for Cardiomyopathy. Last evaluated: 2024-09-06. Review status: criteria provided, single submitter. Criteria: ACMG Guidelines, 2015. Collection method: clinical testing. Allele origin: germline.

Ambry Genetics
Classification: Likely benign for Cardiovascular phenotype. Last evaluated: 2021-06-24. Review status: criteria provided, single submitter. Criteria: Ambry Variant Classification Scheme 2023. Collection method: clinical testing. Allele origin: germline.

GeneDx
Classification: Likely benign. Last evaluated: 2015-04-29. Review status: criteria provided, single submitter. Criteria: GeneDx Variant Classification (06012015). Collection method: clinical testing. Allele origin: germline. Affected: yes.
Comment: This variant is considered likely benign or benign based on one or more of the following criteria: it is a conservative change, it occurs at a poorly conserved position in the protein, it is predicted to be benign by multiple in silico algorithms, and/or has population frequency not consistent with disease.

NM_016203.4(PRKAG2):c.202G>A (p.Gly68Ser)

Gene: PRKAG2 (protein kinase AMP-activated non-catalytic subunit gamma 2; minus strand). Cytogenetic location: 7q36.1.
Variant type: single nucleotide variant.
Coding change: c.202G>A on transcript NM_016203.4 (MANE Select); coding-DNA position 202, G replaced by A.
Protein change: p.Gly68Ser; replaces glycine 68 with serine.
Molecular consequence: missense variant.
Genome position (GRCh38, 1-based): chr7:151,781,416, C>T on the plus strand (G>A on the coding strand, the complement: PRKAG2 is on the minus strand). VCF-style: chr7-151781416-C-T. GRCh37 (hg19) VCF-style: chr7-151478502-C-T.
Other names: p.G68S:GGC>AGC; c.70G>A, p.Gly24Ser (NM_001040633.2); short protein forms G68S, G24S.
Identifiers: ClinVar variation 181465 (VCV000181465.18), dbSNP rs730880970, ClinGen allele CA014025.